The following is an entry in ClinVar:

NM_018124.4(RFWD3):c.145G>A (p.Val49Ile)

Gene: RFWD3 (ring finger and WD repeat domain 3; minus strand). Cytogenetic location: 16q23.1.
Variant type: single nucleotide variant.
Coding change: c.145G>A on transcript NM_018124.4 (MANE Select); coding-DNA position 145, G replaced by A.
Protein change: p.Val49Ile; replaces valine 49 with isoleucine.
Molecular consequence: missense variant. On other transcripts: 5 prime UTR variant (4), intron variant (1).
Genome position (GRCh38, 1-based): chr16:74,661,305, C>T on the plus strand (G>A on the coding strand, the complement: RFWD3 is on the minus strand). VCF-style: chr16-74661305-C-T. GRCh37 (hg19) VCF-style: chr16-74695203-C-T.
Other names: c.145G>A (NM_018124.3); c.145G>A, p.Val49Ile (NM_001370534.1, NM_001370535.1, NM_001370536.1); c.-864G>A (NM_001370537.1); c.-487G>A (NM_001370539.1, NM_001370541.1); c.-741G>A (NM_001370542.1); c.-619G>A (NM_001370543.1); c.-317+3319G>A (NM_001370540.1); short protein forms V49I.
Identifiers: ClinVar variation 2082887 (VCV002082887.5), dbSNP rs151061145, ClinGen allele CA8169636.

ClinVar aggregate classification (germline): Uncertain significance. Review status: criteria provided, multiple submitters, no conflicts (2 of 4 stars). 2 submissions from 2 submitters: Uncertain significance (2). Last evaluated 2026-01-07.

Allele frequency attached by ClinVar (database versions not stated): ESP Exome Variant Server 0.00008; TOPMed 0.00027; ExAC 0.00028; 1000 Genomes Project 30x 0.00031; 1000 Genomes Project 0.00040.
gnomAD v4.1: 411 of 1,613,996 alleles (0.025%); highest among the groups gnomAD compares: Middle Eastern, 0.41%; no homozygotes.

Submissions (2):

Labcorp Genetics (formerly Invitae), Labcorp
Classification: Uncertain significance. Last evaluated: 2026-01-07. Review status: criteria provided, single submitter. Criteria: Invitae Variant Classification Sherloc (09022015). Collection method: clinical testing. Allele origin: germline.
Comment: This sequence change replaces valine, which is neutral and non-polar, with isoleucine, which is neutral and non-polar, at codon 49 of the RFWD3 protein (p.Val49Ile). This variant is present in population databases (rs151061145, gnomAD 0.04%). This variant has not been reported in the literature in individuals affected with RFWD3-related conditions. ClinVar contains an entry for this variant (Variation ID: 2082887). An algorithm developed to predict the effect of missense changes on protein structure and function (PolyPhen-2) suggests that this variant is likely to be tolerated. In summary, the available evidence is currently insufficient to determine the role of this variant in disease. Therefore, it has been classified as a Variant of Uncertain Significance.

Ambry Genetics
Classification: Uncertain significance. Last evaluated: 2025-08-27. Review status: criteria provided, single submitter. Criteria: Ambry Variant Classification Scheme 2023. Collection method: clinical testing. Allele origin: germline.